The following is an entry in ClinVar:

NM_006468.8(POLR3C):c.142del (p.Asp48fs)

Gene: POLR3C (RNA polymerase III subunit C; plus strand). Cytogenetic location: 1q21.1.
Variant type: Deletion.
Coding change: c.142del on transcript NM_006468.8 (MANE Select); coding-DNA position 142, one base deleted (G; older notation c.142delG).
Protein change: p.Asp48fs; shifts the reading frame from aspartic acid 48.
Molecular consequence: frameshift variant.
Genome position (GRCh38, 1-based): chr1:145,825,918, G deleted; the last of 2 consecutive G bases (chr1:145,825,917-145,825,918); deleting either gives the same sequence. VCF-style (leftmost placement, unchanged base first): chr1-145825916-TG-T. GRCh37 (hg19) VCF-style: chr1-145609194-TC-T.
Other names: c.181del, p.Asp61fs (NM_001303456.1); c.181delG (NM_001303456.1); short protein forms D61fs, D48fs.
Identifiers: ClinVar variation 4979485 (VCV004979485.1).

ClinVar aggregate classification (germline): Uncertain significance (1 of 4 stars; one submission).

Conditions:
POLR3C-related disorder. Also called: POLR3C-related condition.

Submission:

PreventionGenetics, part of Exact Sciences
Classification: Uncertain significance for POLR3C-related condition. Last evaluated: 2025-09-14. Review status: criteria provided, single submitter. Criteria: ACMG Guidelines, 2015. Collection method: clinical testing. Allele origin: germline.
Comment: The POLR3C c.181delG variant is predicted to result in a frameshift and premature protein termination (p.Asp61Ilefs*3). To our knowledge, this variant has not been reported in the literature. This variant is reported in 0.0065% of alleles in individuals of European (Non-Finnish) descent in gnomAD. Loss of function is not an established mechanism of POLR3C-related disease. At this time, the clinical significance of this variant is uncertain due to the absence of conclusive functional and genetic evidence.